The following is an entry in ClinVar:

NM_199242.3(UNC13D):c.1709G>A (p.Arg570His)

Gene: UNC13D (unc-13 homolog D; minus strand). Cytogenetic location: 17q25.1.
Variant type: single nucleotide variant.
Coding change: c.1709G>A on transcript NM_199242.3 (MANE Select); coding-DNA position 1709, G replaced by A.
Protein change: p.Arg570His; replaces arginine 570 with histidine.
Molecular consequence: missense variant.
Genome position (GRCh38, 1-based): chr17:75,835,665, C>T on the plus strand (G>A on the coding strand, the complement: UNC13D is on the minus strand). VCF-style: chr17-75835665-C-T. GRCh37 (hg19) VCF-style: chr17-73831746-C-T.
Other names: c.1709G>A (NM_199242.2); short protein forms R570H.
Identifiers: ClinVar variation 1023195 (VCV001023195.8), dbSNP rs774248632, ClinGen allele CA8772853.

ClinVar aggregate classification (germline): Uncertain significance. Review status: criteria provided, multiple submitters, no conflicts (2 of 4 stars). 3 submissions from 3 submitters: Uncertain significance (3). Last evaluated 2024-02-07.

Conditions:
Familial hemophagocytic lymphohistiocytosis 3 (FHL3). Also called: UNC13D-Related Familial Hemophagocytic Lymphohistiocytosis (UNC13D-fHLH). Identifiers: Orphanet 540, MedGen C1837174, MONDO:0012146, OMIM 608898.
Inborn genetic diseases. Identifiers: MedGen C0950123, MeSH D030342.

Allele frequency attached by ClinVar (database versions not stated): gnomAD 0.00002 and 0.00005; TOPMed 0.00002; ExAC 0.00013.
gnomAD v4.1: 121 of 1,613,208 alleles (0.0075%); highest among the groups gnomAD compares: South Asian, 0.1%; 1 homozygote.

Submissions (3):

Women's Health and Genetics/Laboratory Corporation of America, LabCorp
Classification: Uncertain significance. Last evaluated: 2024-02-07. Review status: criteria provided, single submitter. Criteria: LabCorp Variant Classification Summary - May 2015. Collection method: clinical testing. Allele origin: germline.
Comment: Variant summary: UNC13D c.1709G>A (p.Arg570His) results in a non-conservative amino acid change located in the Munc13 homology 1 domain (IPR014770) of the encoded protein sequence. Four of five in-silico tools predict a benign effect of the variant on protein function. The variant allele was found at a frequency of 0.00014 in 250130 control chromosomes. This frequency is not significantly higher than estimated for a pathogenic variant in UNC13D causing Familial Hemophagocytic Lymphohistiocytosis (0.00014 vs 0.0027), allowing no conclusion about variant significance. To our knowledge, no occurrence of c.1709G>A in individuals affected with Familial Hemophagocytic Lymphohistiocytosis and no experimental evidence demonstrating its impact on protein function have been reported. ClinVar contains an entry for this variant (Variation ID: 1023195). Based on the evidence outlined above, the variant was classified as uncertain significance.

Ambry Genetics
Classification: Uncertain significance for Inborn genetic diseases. Last evaluated: 2022-12-02. Review status: criteria provided, single submitter. Criteria: Ambry Variant Classification Scheme 2023. Collection method: clinical testing. Allele origin: germline.

Labcorp Genetics (formerly Invitae), Labcorp
Classification: Uncertain significance for Familial hemophagocytic lymphohistiocytosis 3. Last evaluated: 2022-07-27. Review status: criteria provided, single submitter. Criteria: Invitae Variant Classification Sherloc (09022015). Collection method: clinical testing. Allele origin: germline.
Comment: This sequence change replaces arginine, which is basic and polar, with histidine, which is basic and polar, at codon 570 of the UNC13D protein (p.Arg570His). This variant is present in population databases (rs774248632, gnomAD 0.1%). This variant has not been reported in the literature in individuals affected with UNC13D-related conditions. ClinVar contains an entry for this variant (Variation ID: 1023195). Algorithms developed to predict the effect of missense changes on protein structure and function are either unavailable or do not agree on the potential impact of this missense change (SIFT: "Not Available"; PolyPhen-2: "Benign"; Align-GVGD: "Not Available"). In summary, the available evidence is currently insufficient to determine the role of this variant in disease. Therefore, it has been classified as a Variant of Uncertain Significance.